The following is an entry in ClinVar:

NM_003924.4(PHOX2B):c.602A>G (p.Asn201Ser)

Gene: PHOX2B (paired like homeobox 2B; minus strand). Cytogenetic location: 4p13.
Variant type: single nucleotide variant.
Coding change: c.602A>G on transcript NM_003924.4 (MANE Select); coding-DNA position 602, A replaced by G.
Protein change: p.Asn201Ser; replaces asparagine 201 with serine.
Molecular consequence: missense variant.
Genome position (GRCh38, 1-based): chr4:41,746,150, T>C on the plus strand (A>G on the coding strand, the complement: PHOX2B is on the minus strand). VCF-style: chr4-41746150-T-C. GRCh37 (hg19) VCF-style: chr4-41748167-T-C.
Other names: short protein forms N201S.
Identifiers: ClinVar variation 1015969 (VCV001015969.13), dbSNP rs1018470617, ClinGen allele CA95828571.

ClinVar aggregate classification (germline): Uncertain significance. Review status: criteria provided, multiple submitters, no conflicts (2 of 4 stars). 3 submissions from 3 submitters: Uncertain significance (3). Last evaluated 2025-08-22.

Conditions:
Hereditary cancer-predisposing syndrome. Also called: Hereditary Cancer Syndrome; Tumor predisposition; Neoplastic Syndromes, Hereditary; Hereditary neoplastic syndrome. Identifiers: Orphanet 140162, MedGen C0027672, MeSH D009386, MONDO:0015356.
Haddad syndrome (OHD). Also called: Ondine-Hirschsprung disease. Identifiers: Orphanet 99803, MedGen C1859049, MONDO:0020493.

Allele frequency attached by ClinVar (database versions not stated): gnomAD exomes below 0.00001; gnomAD 0.00001; TOPMed 0.00002.
gnomAD v4.1: 1 of 1,611,580 alleles (0.000062%); highest among the groups gnomAD compares: African/African-American, 0.0013%; no homozygotes.

Submissions (3):

Ambry Genetics
Classification: Uncertain significance for Hereditary cancer-predisposing syndrome. Last evaluated: 2025-08-22. Review status: criteria provided, single submitter. Criteria: Ambry Variant Classification Scheme 2023. Collection method: clinical testing. Allele origin: germline.
Comment: The p.N201S variant (also known as c.602A>G), located in coding exon 3 of the PHOX2B gene, results from an A to G substitution at nucleotide position 602. The asparagine at codon 201 is replaced by serine, an amino acid with highly similar properties. This amino acid position is conserved. In addition, this alteration is predicted to be tolerated by in silico analysis. Since supporting evidence is limited at this time, the clinical significance of this alteration remains unclear.

GeneDx
Classification: Uncertain significance. Last evaluated: 2024-03-24. Review status: criteria provided, single submitter. Criteria: GeneDx Variant Classification Process June 2021. Collection method: clinical testing. Allele origin: germline. Affected: yes.
Comment: Not observed at significant frequency in large population cohorts (gnomAD); In silico analysis supports that this missense variant does not alter protein structure/function; Has not been previously published as pathogenic or benign to our knowledge

Labcorp Genetics (formerly Invitae), Labcorp
Classification: Uncertain significance for Haddad syndrome. Last evaluated: 2023-05-02. Review status: criteria provided, single submitter. Criteria: Invitae Variant Classification Sherloc (09022015). Collection method: clinical testing. Allele origin: germline.
Comment: In summary, the available evidence is currently insufficient to determine the role of this variant in disease. Therefore, it has been classified as a Variant of Uncertain Significance. Advanced modeling of protein sequence and biophysical properties (such as structural, functional, and spatial information, amino acid conservation, physicochemical variation, residue mobility, and thermodynamic stability) performed at Invitae indicates that this missense variant is not expected to disrupt PHOX2B protein function. ClinVar contains an entry for this variant (Variation ID: 1015969). This variant has not been reported in the literature in individuals affected with PHOX2B-related conditions. This variant is not present in population databases (gnomAD no frequency). This sequence change replaces asparagine, which is neutral and polar, with serine, which is neutral and polar, at codon 201 of the PHOX2B protein (p.Asn201Ser).